The following is an entry in ClinVar:

NM_000059.4(BRCA2):c.9256+4367G>A

Gene: BRCA2 (BRCA2 DNA repair associated; plus strand). Cytogenetic location: 13q13.1.
Variant type: single nucleotide variant.
Coding change: c.9256+4367G>A on transcript NM_000059.4 (MANE Select); 4367 bases into the intron after coding-DNA position 9256, G replaced by A.
Molecular consequence: intron variant.
Genome position (GRCh38, 1-based): chr13:32,384,512, G>A. VCF-style: chr13-32384512-G-A. GRCh37 (hg19) VCF-style: chr13-32958649-G-A.
Other names: IVS 24+4367G>A.
Identifiers: ClinVar variation 209864 (VCV000209864.1), dbSNP rs9567639, ClinGen allele CA276832.

ClinVar aggregate classification (germline): Benign (3 of 4 stars; one submission).

Conditions:
Breast-ovarian cancer, familial, susceptibility to, 2 (BROVCA2). Also called: BRCA2 Hereditary Breast and Ovarian Cancer. Identifiers: Orphanet 145, MedGen C2675520, MONDO:0012933, OMIM 612555. Disease mechanism: loss of function.

Allele frequency attached by ClinVar (database versions not stated): gnomAD exomes 0.17969; TOPMed 0.21388; gnomAD 0.21570 and 0.21799; 1000 Genomes Project 30x 0.22033; 1000 Genomes Project 0.22564.
gnomAD v4.1: 33,245 of 153,044 alleles (22%); highest among the groups gnomAD compares: East Asian, 39%; 3,737 homozygotes.

Submission:

Evidence-based Network for the Interpretation of Germline Mutant Alleles (ENIGMA)
Classification: Benign for Breast-ovarian cancer, familial 2. Last evaluated: 2015-01-12. Review status: reviewed by expert panel. Criteria: ENIGMA BRCA1/2 Classification Criteria (2015). Collection method: curation. Allele origin: germline.
Comment: Class 1 not pathogenic based on frequency >1% in an outbred sampleset. Frequency 0.3811 (Asian), 0.1423 (African), 0.2177 (European), derived from 1000 genomes (2012-04-30).